The following is an entry in ClinVar:

NM_002075.4(GNB3):c.268-2A>G

Gene: GNB3 (G protein subunit beta 3; plus strand). Cytogenetic location: 12p13.31.
Variant type: single nucleotide variant.
Coding change: c.268-2A>G on transcript NM_002075.4 (MANE Select); the canonical splice acceptor site of the intron before coding-DNA position 268, A replaced by G.
Molecular consequence: splice acceptor variant.
Genome position (GRCh38, 1-based): chr12:6,843,361, A>G. VCF-style: chr12-6843361-A-G. GRCh37 (hg19) VCF-style: chr12-6952525-A-G.
Other names: c.268-2A>G (NM_001297571.2).
Identifiers: ClinVar variation 4770322 (VCV004770322.1).

ClinVar aggregate classification (germline): Uncertain significance (1 of 4 stars; one submission).

Submission:

Labcorp Genetics (formerly Invitae), Labcorp
Classification: Uncertain significance. Last evaluated: 2025-10-02. Review status: criteria provided, single submitter. Criteria: Invitae Variant Classification Sherloc (09022015). Collection method: clinical testing. Allele origin: germline.
Comment: This sequence change affects an acceptor splice site in intron 5 of the GNB3 gene. It is expected to disrupt RNA splicing. Variants that disrupt the donor or acceptor splice site typically lead to a loss of protein function (PMID: 16199547), however the current clinical and genetic evidence is not sufficient to establish whether loss-of-function variants in GNB3 cause disease. This variant is not present in population databases (gnomAD no frequency). This variant has not been reported in the literature in individuals affected with GNB3-related conditions. Algorithms developed to predict the effect of sequence changes on RNA splicing suggest that this variant may disrupt the consensus splice site. In summary, the available evidence is currently insufficient to determine the role of this variant in disease. Therefore, it has been classified as a Variant of Uncertain Significance.

Literature cited by the submitters: PubMed 16199547.